The following is an entry in ClinVar:

Conditions:
Breast-ovarian cancer, familial, susceptibility to, 1 (BROVCA1). Also called: BRCA1 Hereditary Breast and Ovarian Cancer; OVARIAN CANCER, SUSCEPTIBILITY TO. Identifiers: Orphanet 145, MedGen C2676676, MONDO:0011450, OMIM 604370. Disease mechanism: loss of function.

Submission:

Brotman Baty Institute, University of Washington
No classification provided (evidence only). Condition: Breast-ovarian cancer, familial 1. Review status: no classification provided. Collection method: in vitro. Allele origin: not applicable. Functional consequence: functionally_normal.
ClinVar note: "not provided" was previously submitted as the classification for the variant. However, the classification appeared to be based only on an observation of functional data so it was converted to no classification on 2025-07-30.

NM_007294.4(BRCA1):c.5193+25A>C

Gene: BRCA1 (BRCA1 DNA repair associated; minus strand). Cytogenetic location: 17q21.31.
Variant type: single nucleotide variant.
Coding change: c.5193+25A>C on transcript NM_007294.4 (MANE Select); 25 bases into the intron after coding-DNA position 5193, A replaced by C.
Molecular consequence: intron variant.
Genome position (GRCh38, 1-based): chr17:43,063,308, T>G on the plus strand (A>C on the coding strand, the complement: BRCA1 is on the minus strand). VCF-style: chr17-43063308-T-G. GRCh37 (hg19) VCF-style: chr17-41215325-T-G.
Other names: c.1740+25A>C (NM_001408458.1, NM_001408461.1, NM_001408464.1 and 7 more transcripts); c.4302+25A>C (NM_001407967.1); c.4812+25A>C (NM_001407959.1); c.4926+25A>C (NM_001407931.1, NM_001407932.1, NM_001407928.1 and 4 more transcripts); c.5049+25A>C (NM_001407747.1, NM_001407745.1, NM_001407737.1 and 21 more transcripts); c.4809+25A>C (NM_001407962.1, NM_001407960.1); c.1380+25A>C (NM_001408512.1); c.1503+25A>C (NM_001408510.1); and 72 more.
Identifiers: ClinVar variation 868154 (VCV000868154.3), dbSNP rs2051848302, ClinGen allele CA916079981.